The following is an entry in ClinVar:

ClinVar aggregate classification (germline): Uncertain significance. Review status: criteria provided, multiple submitters, no conflicts (2 of 4 stars). 2 submissions from 2 submitters: Uncertain significance (2). Last evaluated 2025-08-18.

gnomAD v4.1: 31 of 1,613,638 alleles (0.0019%); highest among the groups gnomAD compares: Non-Finnish European, 0.0025%; no homozygotes.

Submissions (2):

Labcorp Genetics (formerly Invitae), Labcorp
Classification: Uncertain significance. Last evaluated: 2025-08-18. Review status: criteria provided, single submitter. Criteria: Invitae Variant Classification Sherloc (09022015). Collection method: clinical testing. Allele origin: germline.
Comment: This sequence change replaces asparagine, which is neutral and polar, with lysine, which is basic and polar, at codon 960 of the NPAT protein (p.Asn960Lys). The frequency data for this variant in the population databases is considered unreliable, as metrics indicate poor data quality at this position in the gnomAD database. This variant has not been reported in the literature in individuals affected with NPAT-related conditions. ClinVar contains an entry for this variant (Variation ID: 3407278). An algorithm developed to predict the effect of missense changes on protein structure and function (PolyPhen-2) suggests that this variant is likely to be tolerated. In summary, the available evidence is currently insufficient to determine the role of this variant in disease. Therefore, it has been classified as a Variant of Uncertain Significance.

Ambry Genetics
Classification: Uncertain significance. Last evaluated: 2024-09-25. Review status: criteria provided, single submitter. Criteria: Ambry Variant Classification Scheme 2023. Collection method: clinical testing. Allele origin: germline.

NM_002519.3(NPAT):c.2880C>A (p.Asn960Lys)

Gene: NPAT (nuclear protein, coactivator of histone transcription; minus strand). Cytogenetic location: 11q22.3.
Variant type: single nucleotide variant.
Coding change: c.2880C>A on transcript NM_002519.3 (MANE Select); coding-DNA position 2880, C replaced by A.
Protein change: p.Asn960Lys; replaces asparagine 960 with lysine.
Molecular consequence: missense variant.
Genome position (GRCh38, 1-based): chr11:108,169,949, G>T on the plus strand (C>A on the coding strand, the complement: NPAT is on the minus strand). VCF-style: chr11-108169949-G-T. GRCh37 (hg19) VCF-style: chr11-108040676-G-T.
Other names: c.2880C>A, p.Asn960Lys (NM_001321307.1); short protein forms N960K.
Identifiers: ClinVar variation 3407278 (VCV003407278.2).